The following is an entry in ClinVar:

NM_170606.3(KMT2C):c.10349A>C (p.Gln3450Pro)

Gene: KMT2C (lysine methyltransferase 2C; minus strand). Cytogenetic location: 7q36.1.
Variant type: single nucleotide variant.
Coding change: c.10349A>C on transcript NM_170606.3 (MANE Select); coding-DNA position 10349, A replaced by C.
Protein change: p.Gln3450Pro; replaces glutamine 3450 with proline.
Molecular consequence: missense variant.
Genome position (GRCh38, 1-based): chr7:152,163,228, T>G on the plus strand (A>C on the coding strand, the complement: KMT2C is on the minus strand). VCF-style: chr7-152163228-T-G. GRCh37 (hg19) VCF-style: chr7-151860313-T-G.
Other names: short protein forms Q3450P.
Identifiers: ClinVar variation 4858980 (VCV004858980.1).

ClinVar aggregate classification (germline): Uncertain significance (1 of 4 stars; one submission).

Conditions:
Inborn genetic diseases. Identifiers: MedGen C0950123, MeSH D030342.

gnomAD v4.1: 1 of 1,614,220 alleles (0.000062%); highest among the groups gnomAD compares: Admixed American, 0.0017%; no homozygotes.

Submission:

Ambry Genetics
Classification: Uncertain significance for Inborn genetic diseases. Last evaluated: 2026-04-21. Review status: criteria provided, single submitter. Criteria: Ambry Variant Classification Scheme 2023. Collection method: clinical testing. Allele origin: germline.
Comment: The c.10349A>C (p.Q3450P) alteration is located in exon 43 (coding exon 43) of the KMT2C gene. This alteration results from a A to C substitution at nucleotide position 10349, causing the glutamine (Q) at amino acid position 3450 to be replaced by a proline (P). Based on data from gnomAD, the C allele has an overall frequency of <0.001% (1/251492) total alleles studied. The highest observed frequency was 0.003% (1/34592) of Latino alleles. Based on insufficient or conflicting evidence, the clinical significance of this alteration remains unclear.